The following is an entry in ClinVar:

ClinVar aggregate classification (germline): Conflicting classifications of pathogenicity. Review status: criteria provided, conflicting classifications (1 of 4 stars). 4 submissions from 4 submitters: Uncertain significance (3); Likely benign (1). Last evaluated 2026-05-12.

Conditions:
ADCY3-related disorder. Also called: ADCY3-related condition.

Allele frequency attached by ClinVar (database versions not stated): 1000 Genomes Project 0.00040; 1000 Genomes Project 30x 0.00047; gnomAD 0.00054; TOPMed 0.00066; ESP Exome Variant Server 0.00115.
gnomAD v4.1: 1,369 of 1,611,882 alleles (0.085%); highest among the groups gnomAD compares: Non-Finnish European, 0.11%; 1 homozygote.

Submissions (4):

PreventionGenetics, part of Exact Sciences
Classification: Uncertain significance for ADCY3-related condition. Last evaluated: 2026-05-12. Review status: criteria provided, single submitter. Criteria: ACMG Guidelines, 2015. Collection method: clinical testing. Allele origin: germline.
Comment: The ADCY3 c.1532C>T variant is predicted to result in the amino acid substitution p.Ser511Leu. This variant has been documented in an individual with obesity and additional features (Table E4, Similuk et al. 2022. PubMed ID: 35753512). In one family, this variant was also described in the heterozygous or homozygous state in several individuals with obesity (Olgun Celebioglu et al. 2024. PubMed ID: 38915195). This variant is reported in 0.098% of alleles in individuals of European (non-Finnish) descent in gnomAD, which is likely too common to be a primary cause of disease. Although we suspect that this variant may be benign, at this time, the clinical significance of this variant is uncertain due to the absence of conclusive functional and genetic evidence.

Labcorp Genetics (formerly Invitae), Labcorp
Classification: Uncertain significance. Last evaluated: 2025-12-18. Review status: criteria provided, single submitter. Criteria: Invitae Variant Classification Sherloc (09022015). Collection method: clinical testing. Allele origin: germline.
Comment: This sequence change replaces serine, which is neutral and polar, with leucine, which is neutral and non-polar, at codon 511 of the ADCY3 protein (p.Ser511Leu). This variant is present in population databases (rs139407103, gnomAD 0.1%), and has an allele count higher than expected for a pathogenic variant. This missense change has been observed in individual(s) with ADCY3-related conditions (PMID: 35753512). ClinVar contains an entry for this variant (Variation ID: 2629908). An algorithm developed to predict the effect of missense changes on protein structure and function outputs the following: PolyPhen-2: "Benign". The leucine amino acid residue is found in multiple mammalian species, which suggests that this missense change does not adversely affect protein function. In summary, the available evidence is currently insufficient to determine the role of this variant in disease. Therefore, it has been classified as a Variant of Uncertain Significance.

CeGaT Center for Human Genetics Tuebingen
Classification: Likely benign. Last evaluated: 2024-12-01. Review status: criteria provided, single submitter. Criteria: CeGaT Center For Human Genetics Tuebingen Variant Classification Criteria Version 2. Collection method: clinical testing. Allele origin: germline. Affected: yes. Observed: 1 variant allele.
Comment: ADCY3: BP4, BS2

Blueprint Genetics
Classification: Uncertain significance. Last evaluated: 2024-09-17. Review status: criteria provided, single submitter. Criteria: ACMG Guidelines, 2015. Collection method: clinical testing. Allele origin: germline.

Literature cited by the submitters: PubMed 35753512 (cited by Labcorp Genetics (formerly Invitae), Labcorp).

NM_004036.5(ADCY3):c.1532C>T (p.Ser511Leu)

Gene: ADCY3 (adenylate cyclase 3; minus strand). Cytogenetic location: 2p23.3.
Variant type: single nucleotide variant.
Coding change: c.1532C>T on transcript NM_004036.5 (MANE Select); coding-DNA position 1532, C replaced by T.
Protein change: p.Ser511Leu; replaces serine 511 with leucine.
Molecular consequence: missense variant.
Genome position (GRCh38, 1-based): chr2:24,838,446, G>A on the plus strand (C>T on the coding strand, the complement: ADCY3 is on the minus strand). VCF-style: chr2-24838446-G-A. GRCh37 (hg19) VCF-style: chr2-25061315-G-A.
Other names: c.1532C>T, p.Ser511Leu (NM_001377129.1, NM_001377130.1, NM_001377132.1 and 1 more transcripts); c.809C>T, p.Ser270Leu (NM_001377131.1); c.1598C>T, p.Ser533Leu (NM_001377128.1); short protein forms S270L, S511L, S533L.
Identifiers: ClinVar variation 2629908 (VCV002629908.21), dbSNP rs139407103, ClinGen allele CA1554111.